The following is an entry in ClinVar:

NM_016239.4(MYO15A):c.8513A>C (p.Asn2838Thr)

Gene: MYO15A (myosin XVA; plus strand). Cytogenetic location: 17p11.2.
Variant type: single nucleotide variant.
Coding change: c.8513A>C on transcript NM_016239.4 (MANE Select); coding-DNA position 8513, A replaced by C.
Protein change: p.Asn2838Thr; replaces asparagine 2838 with threonine.
Molecular consequence: missense variant.
Genome position (GRCh38, 1-based): chr17:18,156,248, A>C. VCF-style: chr17-18156248-A-C. GRCh37 (hg19) VCF-style: chr17-18059562-A-C.
Other names: short protein forms N2838T.
Identifiers: ClinVar variation 2590452 (VCV002590452.8), dbSNP rs762771600, ClinGen allele CA8425185.

ClinVar aggregate classification (germline): Conflicting classifications of pathogenicity. Review status: criteria provided, conflicting classifications (1 of 4 stars). 4 submissions from 4 submitters: Uncertain significance (3); Likely benign (1). Last evaluated 2026-07-28.

Conditions:
MYO15A-related disorder. Also called: MYO15A-related condition.
Inborn genetic diseases. Identifiers: MedGen C0950123, MeSH D030342.

Allele frequency attached by ClinVar (database versions not stated): gnomAD 0.00001; TOPMed 0.00003; ExAC 0.00008.
gnomAD v4.1: 20 of 1,614,058 alleles (0.0012%); highest among the groups gnomAD compares: Admixed American, 0.033%; no homozygotes.

Submissions (4):

PreventionGenetics, part of Exact Sciences
Classification: Uncertain significance for MYO15A-related condition. Last evaluated: 2026-07-28. Review status: criteria provided, single submitter. Criteria: ACMG Guidelines, 2015. Collection method: clinical testing. Allele origin: germline.
Comment: The MYO15A c.8513A>C variant is predicted to result in the amino acid substitution p.Asn2838Thr. To our knowledge, this variant has not been reported in the literature. This variant is reported in 0.055% of alleles in individuals of Latino descent in gnomAD. Although we suspect that this variant may be benign, at this time, the clinical significance of this variant is uncertain due to the absence of conclusive functional and genetic evidence.

GeneDx
Classification: Uncertain significance. Last evaluated: 2025-09-10. Review status: criteria provided, single submitter. Criteria: GeneDx Variant Classification Process June 2021. Collection method: clinical testing. Allele origin: germline.
Comment: In silico analysis supports that this missense variant has a deleterious effect on protein structure/function; Has not been previously published as pathogenic or benign to our knowledge

Labcorp Genetics (formerly Invitae), Labcorp
Classification: Likely benign. Last evaluated: 2023-12-19. Review status: criteria provided, single submitter. Criteria: Invitae Variant Classification Sherloc (09022015). Collection method: clinical testing. Allele origin: germline.

Ambry Genetics
Classification: Uncertain significance for Inborn genetic diseases. Last evaluated: 2023-07-17. Review status: criteria provided, single submitter. Criteria: Ambry Variant Classification Scheme 2023. Collection method: clinical testing. Allele origin: germline.